The following is an entry in ClinVar:

NM_001465.6(FYB1):c.1922T>C (p.Val641Ala)

Gene: FYB1 (FYN binding protein 1; minus strand). Cytogenetic location: 5p13.1.
Variant type: single nucleotide variant.
Coding change: c.1922T>C on transcript NM_001465.6 (MANE Select); coding-DNA position 1922, T replaced by C.
Protein change: p.Val641Ala; replaces valine 641 with alanine.
Molecular consequence: missense variant. On other transcripts: intron variant (2).
Genome position (GRCh38, 1-based): chr5:39,126,121, A>G on the plus strand (T>C on the coding strand, the complement: FYB1 is on the minus strand). VCF-style: chr5-39126121-A-G. GRCh37 (hg19) VCF-style: chr5-39126223-A-G.
Other names: p.Val641Ala; c.1952T>C, p.Val651Ala (NM_001243093.2); c.1922T>C, p.Val641Ala (NM_001349333.2); c.1907+1620T>C (NM_199335.5); c.1937+1620T>C (NM_018594.2); short protein forms V641A, V651A.
Identifiers: ClinVar variation 435272 (VCV000435272.8), dbSNP rs199923708, ClinGen allele CA3246060.

ClinVar aggregate classification (germline): Conflicting classifications of pathogenicity. Review status: criteria provided, conflicting classifications (1 of 4 stars). 3 submissions from 3 submitters: Uncertain significance (2); Likely benign (1). Last evaluated 2024-11-13.

Allele frequency attached by ClinVar (database versions not stated): TOPMed 0.00022; ESP Exome Variant Server 0.00025; gnomAD 0.00026; gnomAD exomes 0.00026; ExAC 0.00031.

Submissions (3):

Ambry Genetics
Classification: Uncertain significance. Last evaluated: 2024-11-13. Review status: criteria provided, single submitter. Criteria: Ambry Variant Classification Scheme 2023. Collection method: clinical testing. Allele origin: germline.

Mayo Clinic Laboratories, Mayo Clinic
Classification: Uncertain significance. Last evaluated: 2024-04-29. Review status: criteria provided, single submitter. Criteria: ACMG Guidelines, 2015. Collection method: clinical testing. Allele origin: germline. Observed: 1 variant allele.
Comment: BP4, PM1_supporting

Genetic Services Laboratory, University of Chicago
Classification: Likely benign. Last evaluated: 2017-01-03. Review status: criteria provided, single submitter. Criteria: ACMG Guidelines, 2015. Collection method: clinical testing. Allele origin: germline. Affected: no.